The following is an entry in ClinVar:

NM_032551.5(KISS1R):c.1032CCCCCGCCG[1] (p.343RRP[2])

Gene: KISS1R (KISS1 receptor; plus strand). Cytogenetic location: 19p13.3.
Variant type: Microsatellite.
Coding change: c.1032CCCCCGCCG[1] on transcript NM_032551.5 (MANE Select); one copy of the 9-base unit CCCCCGCCG starting at c.1032; the reference has two copies in a row; one copy, 9 bases deleted.
Protein change: p.343RRP[2].
Genome position (GRCh38, 1-based): chr19:920,592-920,600, CCCCCGCCG deleted; deleting any 9 consecutive bases within chr19:920,578-920,600 gives the same sequence; the position shown is the placement nearest the transcript's 3' end. VCF-style (leftmost placement, unchanged base first): chr19-920577-GCGCCGCCCC-G. GRCh37 (hg19) VCF-style: chr19-920577-GCGCCGCCCC-G.
Other names: c.1041_1049del9 (NM_032551.4).
Identifiers: ClinVar variation 4939553 (VCV004939553.2).

ClinVar aggregate classification (germline): Uncertain significance. Review status: criteria provided, multiple submitters, no conflicts (2 of 4 stars). 2 submissions from 2 submitters: Uncertain significance (2). Last evaluated 2025-06-18.

Conditions:
KISS1R-related disorder. Also called: KISS1R-related condition.

Submissions (2):

PreventionGenetics, part of Exact Sciences
Classification: Uncertain significance for KISS1R-related condition. Last evaluated: 2025-06-18. Review status: criteria provided, single submitter. Criteria: ACMG Guidelines, 2015. Collection method: clinical testing. Allele origin: germline.
Comment: The KISS1R c.1041_1049del9 variant is predicted to result in an in-frame deletion (p.Arg349_Pro351del). This variant was reported in the heterozygous state in an individual with congenital hypogonadotropic hypogonadism (Supplemental Table 2, Federici et al. 2022. PubMed ID: 36531499). This variant is reported in 0.015% of alleles in individuals of European (Non-Finnish) descent in gnomAD. At this time, the clinical significance of this variant is uncertain due to the absence of conclusive functional and genetic evidence.

Blueprint Genetics
Classification: Uncertain significance. Last evaluated: 2024-03-09. Review status: criteria provided, single submitter. Criteria: ACMG Guidelines, 2015. Collection method: clinical testing. Allele origin: germline.